The following is an entry in ClinVar:

NM_017849.4(TMEM127):c.447G>A (p.Trp149Ter)

Gene: TMEM127 (transmembrane protein 127; minus strand). Cytogenetic location: 2q11.2.
Variant type: single nucleotide variant.
Coding change: c.447G>A on transcript NM_017849.4 (MANE Select); coding-DNA position 447, G replaced by A.
Protein change: p.Trp149Ter; replaces tryptophan 149 with a stop codon.
Molecular consequence: nonsense.
Genome position (GRCh38, 1-based): chr2:96,254,078, C>T on the plus strand (G>A on the coding strand, the complement: TMEM127 is on the minus strand). VCF-style: chr2-96254078-C-T. GRCh37 (hg19) VCF-style: chr2-96919816-C-T.
Other names: c.447G>A, p.Trp149Ter (NM_001193304.3); short protein forms W149*.
Identifiers: ClinVar variation 126972 (VCV000126972.2), dbSNP rs121908829, ClinGen allele CA269760.

ClinVar aggregate classification (germline): Likely pathogenic (0 of 4 stars; one submission).

Conditions:
Pheochromocytoma. Also called: MAX-Related Hereditary Paraganglioma-Pheochromocytoma Syndrome. Identifiers: Orphanet 29072, MedGen C0031511, MONDO:0008233, OMIM 171300, HP:0002666.

Allele frequency attached by ClinVar (database versions not stated): gnomAD exomes below 0.00001.

Submission:

Familial Cancer Clinic, Veneto Institute of Oncology
Classification: Likely pathogenic for Pheochromocytoma. Review status: no assertion criteria provided. Collection method: not provided. Allele origin: germline.
ClinVar note: Converted during submission from likely pathogenic - adrenal bilateral pheochromocy to Likely pathogenic.